The following is an entry in ClinVar:

NM_030662.4(MAP2K2):c.1130T>C (p.Val377Ala)

Gene: MAP2K2 (mitogen-activated protein kinase kinase 2; minus strand). Cytogenetic location: 19p13.3.
Variant type: single nucleotide variant.
Coding change: c.1130T>C on transcript NM_030662.4 (MANE Select); coding-DNA position 1130, T replaced by C.
Protein change: p.Val377Ala; replaces valine 377 with alanine.
Molecular consequence: missense variant.
Genome position (GRCh38, 1-based): chr19:4,090,671, A>G on the plus strand (T>C on the coding strand, the complement: MAP2K2 is on the minus strand). VCF-style: chr19-4090671-A-G. GRCh37 (hg19) VCF-style: chr19-4090669-A-G.
Other names: short protein forms V377A.
Identifiers: ClinVar variation 2697388 (VCV002697388.3), dbSNP rs2040846741, ClinGen allele CA403381042.

ClinVar aggregate classification (germline): Uncertain significance (1 of 4 stars; one submission).

Conditions:
RASopathy. Also called: Noonan spectrum disorder; rasopathies. Identifiers: Orphanet 536391, MedGen C5555857, MONDO:0021060.

gnomAD v4.1: 2 of 1,559,854 alleles (0.00013%); highest among the groups gnomAD compares: South Asian, 0.0012%; no homozygotes.

Submission:

Labcorp Genetics (formerly Invitae), Labcorp
Classification: Uncertain significance for RASopathy. Last evaluated: 2024-10-22. Review status: criteria provided, single submitter. Criteria: Invitae Variant Classification Sherloc (09022015). Collection method: clinical testing. Allele origin: germline.
Comment: This sequence change replaces valine, which is neutral and non-polar, with alanine, which is neutral and non-polar, at codon 377 of the MAP2K2 protein (p.Val377Ala). This variant is not present in population databases (gnomAD no frequency). This variant has not been reported in the literature in individuals affected with MAP2K2-related conditions. Invitae Evidence Modeling of protein sequence and biophysical properties (such as structural, functional, and spatial information, amino acid conservation, physicochemical variation, residue mobility, and thermodynamic stability) indicates that this missense variant is not expected to disrupt MAP2K2 protein function with a negative predictive value of 95%. In summary, the available evidence is currently insufficient to determine the role of this variant in disease. Therefore, it has been classified as a Variant of Uncertain Significance.